The following is an entry in ClinVar:

NM_207352.4(CYP4V2):c.730T>C (p.Trp244Arg)

Gene: CYP4V2 (cytochrome P450 family 4 subfamily V member 2; plus strand). Cytogenetic location: 4q35.1.
Variant type: single nucleotide variant.
Coding change: c.730T>C on transcript NM_207352.4 (MANE Select); coding-DNA position 730, T replaced by C.
Protein change: p.Trp244Arg; replaces tryptophan 244 with arginine.
Molecular consequence: missense variant.
Genome position (GRCh38, 1-based): chr4:186,199,012, T>C. VCF-style: chr4-186199012-T-C. GRCh37 (hg19) VCF-style: chr4-187120166-T-C.
Other names: short protein forms W244R.
Identifiers: ClinVar variation 1954038 (VCV001954038.5), dbSNP rs2478912017, ClinGen allele CA358947989.
Genomic context (GRCh38, chr4:186,199,012, plus strand): 5'-TATAGAATGAGTGAGATGATATTTCGAAGAATAAAGATGCCCTGGCTTTGGCTTGATCTC[T>C]GGTACCTTATGTTTAAAGAAGGATGGGAACACAAAAAGAGCCTTCAGATCCTACATACTT-3'
Protein context (NP_997235.3, residues 234-254): IKMPWLWLDL[Trp244Arg]YLMFKEGWEH

ClinVar aggregate classification (germline): Uncertain significance (1 of 4 stars; one submission).

Allele frequency attached by ClinVar (database versions not stated): gnomAD exomes below 0.00001.

Submission:

Labcorp Genetics (formerly Invitae), Labcorp
Classification: Uncertain significance. Last evaluated: 2024-01-02. Review status: criteria provided, single submitter. Criteria: Invitae Variant Classification Sherloc (09022015). Collection method: clinical testing. Allele origin: germline.
Comment: This sequence change replaces tryptophan, which is neutral and slightly polar, with arginine, which is basic and polar, at codon 244 of the CYP4V2 protein (p.Trp244Arg). This variant is not present in population databases (gnomAD no frequency). This variant has not been reported in the literature in individuals affected with CYP4V2-related conditions. ClinVar contains an entry for this variant (Variation ID: 1954038). Advanced modeling of protein sequence and biophysical properties (such as structural, functional, and spatial information, amino acid conservation, physicochemical variation, residue mobility, and thermodynamic stability) has been performed at Invitae for this missense variant, however the output from this modeling did not meet the statistical confidence thresholds required to predict the impact of this variant on CYP4V2 protein function. In summary, the available evidence is currently insufficient to determine the role of this variant in disease. Therefore, it has been classified as a Variant of Uncertain Significance.